The following is an entry in ClinVar:

NM_001089.3(ABCA3):c.2917C>T (p.Pro973Ser)

Gene: ABCA3 (ATP binding cassette subfamily A member 3; minus strand). Cytogenetic location: 16p13.3.
Variant type: single nucleotide variant.
Coding change: c.2917C>T on transcript NM_001089.3 (MANE Select); coding-DNA position 2917, C replaced by T.
Protein change: p.Pro973Ser; replaces proline 973 with serine.
Molecular consequence: missense variant.
Genome position (GRCh38, 1-based): chr16:2,288,113, G>A on the plus strand (C>T on the coding strand, the complement: ABCA3 is on the minus strand). VCF-style: chr16-2288113-G-A. GRCh37 (hg19) VCF-style: chr16-2338114-G-A.
Other names: short protein forms P973S.
Identifiers: ClinVar variation 2632894 (VCV002632894.1), dbSNP rs2505627298, ClinGen allele CA394323263.

ClinVar aggregate classification (germline): Uncertain significance (1 of 4 stars; one submission).

Conditions:
ABCA3-related disorder. Also called: ABCA3-related condition.

Submission:

PreventionGenetics, part of Exact Sciences
Classification: Uncertain significance for ABCA3-related condition. Last evaluated: 2023-05-17. Review status: criteria provided, single submitter. Criteria: ACMG Guidelines, 2015. Collection method: clinical testing. Allele origin: germline.
Comment: The ABCA3 c.2917C>T variant is predicted to result in the amino acid substitution p.Pro973Ser. To our knowledge, this variant has not been reported in the literature or in a large population database, indicating this variant is rare. At this time, the clinical significance of this variant is uncertain due to the absence of conclusive functional and genetic evidence.